The following is an entry in ClinVar:

ClinVar aggregate classification (germline): Uncertain significance (1 of 4 stars; one submission).

Allele frequency attached by ClinVar (database versions not stated): gnomAD exomes below 0.00001; ExAC 0.00001.
gnomAD v4.1: 5 of 1,614,124 alleles (0.00031%); highest among the groups gnomAD compares: South Asian, 0.0011%; no homozygotes.

Submission:

GeneDx
Classification: Uncertain significance. Last evaluated: 2022-06-10. Review status: criteria provided, single submitter. Criteria: GeneDx Variant Classification Process June 2021. Collection method: clinical testing. Allele origin: germline. Affected: yes.
Comment: Not observed at significant frequency in large population cohorts (gnomAD); In silico analysis supports that this missense variant has a deleterious effect on protein structure/function; Has not been previously published as pathogenic or benign to our knowledge

NM_144498.4(OSBPL2):c.194C>T (p.Pro65Leu)

Gene: OSBPL2 (oxysterol binding protein like 2; plus strand). Cytogenetic location: 20q13.33.
Variant type: single nucleotide variant.
Coding change: c.194C>T on transcript NM_144498.4 (MANE Select); coding-DNA position 194, C replaced by T.
Protein change: p.Pro65Leu; replaces proline 65 with leucine.
Molecular consequence: missense variant. On other transcripts: 5 prime UTR variant (2).
Genome position (GRCh38, 1-based): chr20:62,263,627, C>T. VCF-style: chr20-62263627-C-T. GRCh37 (hg19) VCF-style: chr20-60838683-C-T.
Other names: c.-173C>T (NM_001278649.3, NM_001363878.2); c.158C>T, p.Pro53Leu (NM_014835.5); short protein forms P53L, P65L.
Identifiers: ClinVar variation 1691678 (VCV001691678.3), dbSNP rs756840696, ClinGen allele CA9938378.